The following is an entry in ClinVar:

NM_004994.3(MMP9):c.650-2A>G

Gene: MMP9 (matrix metallopeptidase 9; plus strand). Cytogenetic location: 20q13.12.
Variant type: single nucleotide variant.
Coding change: c.650-2A>G on transcript NM_004994.3 (MANE Select); the canonical splice acceptor site of the intron before coding-DNA position 650, A replaced by G.
Molecular consequence: splice acceptor variant.
Genome position (GRCh38, 1-based): chr20:46,011,141, A>G. VCF-style: chr20-46011141-A-G. GRCh37 (hg19) VCF-style: chr20-44639780-A-G.
Identifiers: ClinVar variation 2029968 (VCV002029968.4), dbSNP rs979973452, ClinGen allele CA409213168.

ClinVar aggregate classification (germline): Uncertain significance (1 of 4 stars; one submission).

Submission:

Labcorp Genetics (formerly Invitae), Labcorp
Classification: Uncertain significance. Last evaluated: 2023-12-11. Review status: criteria provided, single submitter. Criteria: Invitae Variant Classification Sherloc (09022015). Collection method: clinical testing. Allele origin: germline.
Comment: This sequence change affects an acceptor splice site in intron 4 of the MMP9 gene. It is expected to disrupt RNA splicing. Variants that disrupt the donor or acceptor splice site typically lead to a loss of protein function (PMID: 16199547), however the current clinical and genetic evidence is not sufficient to establish whether loss-of-function variants in MMP9 cause disease. This variant is not present in population databases (gnomAD no frequency). This variant has not been reported in the literature in individuals affected with MMP9-related conditions. ClinVar contains an entry for this variant (Variation ID: 2029968). Algorithms developed to predict the effect of sequence changes on RNA splicing suggest that this variant may disrupt the consensus splice site. In summary, the available evidence is currently insufficient to determine the role of this variant in disease. Therefore, it has been classified as a Variant of Uncertain Significance.

Literature cited by the submitters: PubMed 16199547.